The following is an entry in ClinVar:

NM_152334.3(TARS3):c.587C>T (p.Thr196Met)

Gene: TARS3 (threonyl-tRNA synthetase 3; minus strand). Cytogenetic location: 15q26.3.
Variant type: single nucleotide variant.
Coding change: c.587C>T on transcript NM_152334.3 (MANE Select); coding-DNA position 587, C replaced by T.
Protein change: p.Thr196Met; replaces threonine 196 with methionine.
Molecular consequence: missense variant.
Genome position (GRCh38, 1-based): chr15:101,714,943, G>A on the plus strand (C>T on the coding strand, the complement: TARS3 is on the minus strand). VCF-style: chr15-101714943-G-A. GRCh37 (hg19) VCF-style: chr15-102255146-G-A.
Other names: short protein forms T196M.
Identifiers: ClinVar variation 2645759 (VCV002645759.24), dbSNP rs148053074, ClinGen allele CA7765473.

ClinVar aggregate classification (germline): Likely benign (1 of 4 stars; one submission).

Allele frequency attached by ClinVar (database versions not stated): TOPMed 0.00083; ESP Exome Variant Server 0.00085; gnomAD 0.00119; ExAC 0.00249; 1000 Genomes Project 30x 0.00250; 1000 Genomes Project 0.00300.
gnomAD v4.1: 2,141 of 1,609,888 alleles (0.13%); highest among the groups gnomAD compares: South Asian, 0.85%; 17 homozygotes.

Submission:

CeGaT Center for Human Genetics Tuebingen
Classification: Likely benign. Last evaluated: 2023-04-01. Review status: criteria provided, single submitter. Criteria: CeGaT Center For Human Genetics Tuebingen Variant Classification Criteria Version 2. Collection method: clinical testing. Allele origin: germline. Affected: yes. Observed: 1 variant allele.
Comment: TARS3: BP4, BS2